The following is an entry in ClinVar:

ClinVar aggregate classification (germline): Likely benign (1 of 4 stars; one submission).

Submission:

CeGaT Center for Human Genetics Tuebingen
Classification: Likely benign. Last evaluated: 2022-06-01. Review status: criteria provided, single submitter. Criteria: CeGaT Center For Human Genetics Tuebingen Variant Classification Criteria Version 2. Collection method: clinical testing. Allele origin: germline. Affected: yes. Observed: 1 variant allele.
Comment: POM121L7P: BP4, BP7

NC_000022.11:g.21127238C>T

Variant type: single nucleotide variant.
Genome position: GRCh38 VCF-style: chr22-21127238-C-T. GRCh37 (hg19) VCF-style: chr22-21481527-C-T.
Identifiers: ClinVar variation 2652935 (VCV002652935.23), dbSNP rs1411476404, ClinGen allele CA513716039.